The following is an entry in ClinVar:

NM_000349.3(STAR):c.306+3_306+6del

Gene: STAR (steroidogenic acute regulatory protein; minus strand). Cytogenetic location: 8p11.23.
Variant type: Deletion.
Coding change: c.306+3_306+6del on transcript NM_000349.3 (MANE Select); bases 3 to 6 of the intron after coding-DNA position 306, 4 bases deleted (AAGT; older notation c.306+3_306+6delAAGT).
Molecular consequence: splice donor variant.
Genome position (GRCh38, 1-based): chr8:38,148,194-38,148,197, ACTT deleted on the plus strand (AAGT on the coding strand, the reverse complement: STAR is on the minus strand); deleting any 4 consecutive bases within chr8:38,148,194-38,148,199 gives the same sequence; the c. name uses the placement nearest the transcript's 3' end. VCF-style (leftmost placement, unchanged base first): chr8-38148193-CACTT-C. GRCh37 (hg19) VCF-style: chr8-38005711-CACTT-C.
Identifiers: ClinVar variation 5003436 (VCV005003436.1).

ClinVar aggregate classification (germline): Uncertain significance (1 of 4 stars; one submission).

Conditions:
Congenital lipoid adrenal hyperplasia due to STAR deficency. Also called: Congenital Lipoid Adrenal Hyperplasia; Lipoid adrenal hyperplasia; ADRENAL HYPERPLASIA I; Cholesterol monooxygenase (side-chain cleaving) deficiency. Identifiers: Orphanet 418, Orphanet 90790, MedGen C0342474, MONDO:0008725, OMIM 201710.

Submission:

Myriad Genetics, Inc.
Classification: Uncertain significance for Congenital lipoid adrenal hyperplasia due to STAR deficency. Last evaluated: 2026-09-04. Review status: criteria provided, single submitter. Criteria: Myriad Autosomal Dominant, Autosomal Recessive and X-Linked Classification Criteria (2023). Collection method: clinical testing. Allele origin: unknown.
Comment: NM_000349.2(STAR):c.306+3_306+6delAAGT is an intronic variant classified as a variant of uncertain significance in the context of lipoid congenital adrenal hyperplasia. c.306+3_306+6delAAGT has been observed in a case with relevant disease (PMID: 33227378). Relevant functional assessments of this variant are not available in the literature. c.306+3_306+6delAAGT has not been observed in referenced population frequency databases. In summary, there is insufficient evidence to classify NM_000349.2(STAR):c.306+3_306+6delAAGT as pathogenic or benign. Please note: this variant was assessed in the context of healthy population screening.

Literature cited by the submitters: PubMed 33227378.